The following is an entry in ClinVar:

NM_001379451.1(BCORL1):c.2516C>T (p.Ala839Val)

Gene: BCORL1 (BCL6 corepressor like 1; plus strand). Cytogenetic location: Xq26.1.
Variant type: single nucleotide variant.
Coding change: c.2516C>T on transcript NM_001379451.1 (MANE Select); coding-DNA position 2516, C replaced by T.
Protein change: p.Ala839Val; replaces alanine 839 with valine.
Molecular consequence: missense variant.
Genome position (GRCh38, 1-based): chrX:130,015,288, C>T. VCF-style: chrX-130015288-C-T. GRCh37 (hg19) VCF-style: chrX-129149264-C-T.
Other names: NC_000023.10:g.129149264C>T; c.2516C>T, p.Ala839Val (NM_001184772.3, NM_001379450.1, NM_001441326.1 and 7 more transcripts); short protein forms A839V.
Identifiers: ClinVar variation 4470445 (VCV004470445.2).
Genomic context (GRCh38, chrX:130,015,288, plus strand): 5'-TCAATGGGAAACCTACCAGCACCCAGGTCCTGCCTGTTGGCTGGTCCCCGTACCACCAGG[C>T]GTCTCTGCTTTCCATTGGCATTTCCAGTGCCGGGCAGCTGACCCCCAGTCAGGGGGCGCC-3'
Protein context (NP_001366380.1, residues 829-849): LPVGWSPYHQ[Ala839Val]SLLSIGISSA

ClinVar aggregate classification (germline): Uncertain significance (1 of 4 stars; one submission).

gnomAD v4.1: 3 of 1,211,785 alleles (0.00025%); highest among the groups gnomAD compares: Non-Finnish European, 0.00022%; no homozygotes.

Submissions (2):

Labcorp Genetics (formerly Invitae), Labcorp
Classification: Uncertain significance. Last evaluated: 2025-09-14. Review status: criteria provided, single submitter. Criteria: Invitae Variant Classification Sherloc (09022015). Collection method: clinical testing. Allele origin: germline.
Comment: This sequence change replaces alanine, which is neutral and non-polar, with valine, which is neutral and non-polar, at codon 839 of the BCORL1 protein (p.Ala839Val). This variant is not present in population databases (gnomAD no frequency). This variant has not been reported in the literature in individuals affected with BCORL1-related conditions. An algorithm developed to predict the effect of missense changes on protein structure and function (PolyPhen-2) suggests that this variant is likely to be tolerated. In summary, the available evidence is currently insufficient to determine the role of this variant in disease. Therefore, it has been classified as a Variant of Uncertain Significance.

Dr. Peter K. Rogan Lab, Western University
No classification provided (evidence only). Condition: Thyroid cancer, nonmedullary, 1. Review status: no classification provided. Collection method: in vitro. Allele origin: not applicable. Functional consequence: retained intron. Not counted in ClinVar's aggregate classification.